The following is an entry in ClinVar:

NM_000214.3(JAG1):c.2528G>A (p.Arg843Gln)

Gene: JAG1 (jagged canonical Notch ligand 1; minus strand). Cytogenetic location: 20p12.2.
Variant type: single nucleotide variant.
Coding change: c.2528G>A on transcript NM_000214.3 (MANE Select); coding-DNA position 2528, G replaced by A.
Protein change: p.Arg843Gln; replaces arginine 843 with glutamine.
Molecular consequence: missense variant.
Genome position (GRCh38, 1-based): chr20:10,642,532, C>T on the plus strand (G>A on the coding strand, the complement: JAG1 is on the minus strand). VCF-style: chr20-10642532-C-T. GRCh37 (hg19) VCF-style: chr20-10623180-C-T.
Other names: short protein forms R843Q.
Identifiers: ClinVar variation 1345134 (VCV001345134.8), dbSNP rs751448440, ClinGen allele CA9764475.

ClinVar aggregate classification (germline): Conflicting classifications of pathogenicity. Review status: criteria provided, conflicting classifications (1 of 4 stars). 2 submissions from 2 submitters: Uncertain significance (1); Likely benign (1). Last evaluated 2025-05-03.

Conditions:
Cardiovascular phenotype. Identifiers: MedGen CN230736.
Alagille syndrome due to a JAG1 point mutation. Also called: JAG1-Related Alagille Syndrome; HEPATIC DUCTULAR HYPOPLASIA, SYNDROMATIC; Alagille Syndrome 1. Identifiers: Orphanet 261619, Orphanet 52, MedGen C1956125, MONDO:0016862, OMIM 118450.

Allele frequency attached by ClinVar (database versions not stated): TOPMed below 0.00001; ExAC 0.00001; gnomAD 0.00001; gnomAD exomes 0.00001 and 0.00002.
gnomAD v4.1: 30 of 1,613,808 alleles (0.0019%); highest among the groups gnomAD compares: African/African-American, 0.008%; no homozygotes.

Submissions (2):

Labcorp Genetics (formerly Invitae), Labcorp
Classification: Likely benign for Alagille syndrome due to a JAG1 point mutation. Last evaluated: 2025-05-03. Review status: criteria provided, single submitter. Criteria: Invitae Variant Classification Sherloc (09022015). Collection method: clinical testing. Allele origin: germline.

Ambry Genetics
Classification: Uncertain significance for Cardiovascular phenotype. Last evaluated: 2022-02-02. Review status: criteria provided, single submitter. Criteria: Ambry Variant Classification Scheme 2023. Collection method: clinical testing. Allele origin: germline.
Comment: The p.R843Q variant (also known as c.2528G>A), located in coding exon 21 of the JAG1 gene, results from a G to A substitution at nucleotide position 2528. The arginine at codon 843 is replaced by glutamine, an amino acid with highly similar properties. This amino acid position is conserved. In addition, this alteration is predicted to be tolerated by in silico analysis. Since supporting evidence is limited at this time, the clinical significance of this alteration remains unclear.